The following is an entry in ClinVar:

ClinVar aggregate classification (germline): Uncertain significance. Review status: criteria provided, multiple submitters, no conflicts (2 of 4 stars). 2 submissions from 2 submitters: Uncertain significance (2). Last evaluated 2025-05-13.

Conditions:
Hereditary cancer-predisposing syndrome. Also called: Tumor predisposition; Neoplastic Syndromes, Hereditary; Hereditary Cancer Syndrome; Hereditary neoplastic syndrome. Identifiers: Orphanet 140162, MedGen C0027672, MeSH D009386, MONDO:0015356.
Hereditary nonpolyposis colorectal neoplasms. Identifiers: MedGen C0009405, MeSH D003123.

Submissions (2):

Labcorp Genetics (formerly Invitae), Labcorp
Classification: Uncertain significance for Hereditary nonpolyposis colorectal neoplasms. Last evaluated: 2025-05-13. Review status: criteria provided, single submitter. Criteria: Invitae Variant Classification Sherloc (09022015). Collection method: clinical testing. Allele origin: germline.
Comment: This sequence change replaces serine, which is neutral and polar, with cysteine, which is neutral and slightly polar, at codon 164 of the PMS2 protein (p.Ser164Cys). This variant is not present in population databases (gnomAD no frequency). This variant has not been reported in the literature in individuals affected with PMS2-related conditions. Invitae Evidence Modeling incorporating data from in vitro experimental studies (internal data) indicates that this missense variant is not expected to disrupt PMS2 function with a negative predictive value of 95%. In summary, the available evidence is currently insufficient to determine the role of this variant in disease. Therefore, it has been classified as a Variant of Uncertain Significance.

Ambry Genetics
Classification: Uncertain significance for Hereditary cancer-predisposing syndrome. Last evaluated: 2025-02-03. Review status: criteria provided, single submitter. Criteria: Ambry Variant Classification Scheme 2023. Collection method: clinical testing. Allele origin: germline.
Comment: The p.S164C variant (also known as c.491C>G), located in coding exon 5 of the PMS2 gene, results from a C to G substitution at nucleotide position 491. The serine at codon 164 is replaced by cysteine, an amino acid with dissimilar properties. This amino acid position is conserved. In addition, this alteration is predicted to be tolerated by in silico analysis. Based on the available evidence, the clinical significance of this variant remains unclear.

NM_000535.7(PMS2):c.491C>G (p.Ser164Cys)

Gene: PMS2 (PMS1 homolog 2, mismatch repair system component; minus strand). Cytogenetic location: 7p22.1.
Variant type: single nucleotide variant.
Coding change: c.491C>G on transcript NM_000535.7 (MANE Select); coding-DNA position 491, C replaced by G.
Protein change: p.Ser164Cys; replaces serine 164 with cysteine.
Molecular consequence: missense variant. On other transcripts: 5 prime UTR variant (2), non-coding transcript variant (1), intron variant (1).
Genome position (GRCh38, 1-based): chr7:6,002,499, G>C on the plus strand (C>G on the coding strand, the complement: PMS2 is on the minus strand). VCF-style: chr7-6002499-G-C. GRCh37 (hg19) VCF-style: chr7-6042130-G-C.
Other names: c.86C>G, p.Ser29Cys (NM_001322003.2, NM_001322004.2, NM_001322005.2 and 24 more transcripts); c.491C>G, p.Ser164Cys (NM_001322006.2, NM_001322014.2, NM_001406869.1 and 8 more transcripts); c.173C>G, p.Ser58Cys (NM_001322007.2, NM_001322008.2, NM_001406876.1 and 4 more transcripts); c.-394C>G (NM_001322011.2, NM_001322012.2); c.182C>G, p.Ser61Cys (NM_001322015.2, NM_001406875.1, NM_001406877.1 and 6 more transcripts); c.677C>G, p.Ser226Cys (NM_001406866.1); c.515C>G, p.Ser172Cys (NM_001406868.1); c.250+1473C>G (NM_001406885.1); short protein forms S226C, S58C, S164C, S172C, S29C, S61C.
Identifiers: ClinVar variation 3891004 (VCV003891004.2).
Genomic context (GRCh38, chr7:6,002,499, plus strand): 5'-TTAATTTACTGTACCTTCTTAATATTCCTTTGAAATTCCTTATGGCGCACAGGTAGTGTG[G>C]AAAATAACTGCTGCACGCTGACTGTGGTCCCTCTGGGGCGGGGGTAGGGGGTTTTCTGGA-3'
Protein context (NP_000526.2, residues 154-174): GTTVSVQQLF[Ser164Cys]TLPVRHKEFQ